The following is an entry in ClinVar:

ClinVar aggregate classification (germline): Likely benign. Review status: criteria provided, single submitter (1 of 4 stars). 2 submissions from 2 submitters: Likely benign (1). 1 of the submissions does not count toward it. Last evaluated 2022-08-27.

Conditions:
MAP3K7-related disorder.

Allele frequency attached by ClinVar (database versions not stated): ExAC 0.00002; gnomAD 0.00002; TOPMed 0.00002; gnomAD exomes 0.00004.
gnomAD v4.1: 57 of 1,613,468 alleles (0.0035%); highest among the groups gnomAD compares: South Asian, 0.0088%; no homozygotes.

Submissions (2):

Labcorp Genetics (formerly Invitae), Labcorp
Classification: Likely benign. Last evaluated: 2022-08-27. Review status: criteria provided, single submitter. Criteria: Invitae Variant Classification Sherloc (09022015). Collection method: clinical testing. Allele origin: germline.

PreventionGenetics, part of Exact Sciences
Classification: Likely benign for MAP3K7-related condition. Last evaluated: 2019-07-23. Review status: no assertion criteria provided. Collection method: clinical testing. Allele origin: germline. Not counted in ClinVar's aggregate classification.
Comment: This variant is classified as likely benign based on ACMG/AMP sequence variant interpretation guidelines (Richards et al. 2015 PMID: 25741868, with internal and published modifications).

NM_145331.3(MAP3K7):c.344-5C>T

Gene: MAP3K7 (mitogen-activated protein kinase kinase kinase 7; minus strand). Cytogenetic location: 6q15.
Variant type: single nucleotide variant.
Coding change: c.344-5C>T on transcript NM_145331.3 (MANE Select); 5 bases into the intron before coding-DNA position 344, C replaced by T.
Molecular consequence: intron variant.
Genome position (GRCh38, 1-based): chr6:90,560,219, G>A on the plus strand (C>T on the coding strand, the complement: MAP3K7 is on the minus strand). VCF-style: chr6-90560219-G-A. GRCh37 (hg19) VCF-style: chr6-91269938-G-A.
Other names: c.344-5C>T (NM_145331.2, NM_145333.3, NM_003188.4 and 1 more transcripts).
Identifiers: ClinVar variation 2183134 (VCV002183134.6), dbSNP rs768068151, ClinGen allele CA3928664.